The following is an entry in ClinVar:

NM_007294.4(BRCA1):c.2647_2648insGGCA (p.Ala883fs)

Gene: BRCA1 (BRCA1 DNA repair associated; minus strand). Cytogenetic location: 17q21.31.
Variant type: Insertion.
Coding change: c.2647_2648insGGCA on transcript NM_007294.4 (MANE Select); coding-DNA positions 2647 to 2648, GGCA inserted.
Protein change: p.Ala883fs; shifts the reading frame from alanine 883.
Molecular consequence: frameshift variant. On other transcripts: intron variant (137).
Genome position: GRCh38 VCF-style: chr17-43092883-G-GTGCC. GRCh37 (hg19) VCF-style: chr17-41244900-G-GTGCC.
Other names: c.2434_2435insGGCA, p.Ala812fs (NM_001407571.1, NM_001407853.1, NM_001407894.1 and 9 more transcripts); c.2647_2648insGGCA, p.Ala883fs (NM_001407581.1, NM_001407582.1, NM_001407583.1 and 30 more transcripts); c.2644_2645insGGCA, p.Ala882fs (NM_001407587.1, NM_001407590.1, NM_001407591.1 and 22 more transcripts); c.2638_2639insGGCA, p.Ala880fs (NM_001407646.1, NM_001407647.1); c.2524_2525insGGCA, p.Ala842fs (NM_001407648.1, NM_001407664.1, NM_001407665.1 and 19 more transcripts); c.2521_2522insGGCA, p.Ala841fs (NM_001407649.1, NM_001407670.1, NM_001407671.1 and 11 more transcripts); c.2569_2570insGGCA, p.Ala857fs (NM_001407653.1, NM_001407654.1, NM_001407655.1 and 4 more transcripts); c.2566_2567insGGCA, p.Ala856fs (NM_001407659.1, NM_001407660.1, NM_001407661.1 and 1 more transcripts); and 41 more; short protein forms A883fs, A836fs, A715fs, A755fs, A880fs, A587fs, A756fs, A815fs.
Identifiers: ClinVar variation 548234 (VCV000548234.3), dbSNP rs1555589236, ClinGen allele CA658823998.
Genomic context (GRCh38, chr17:43,092,883, plus strand): 5'-CATTCAAAAGTGACTTTTGGACTTTGTTTCTTTAAGGACCCAGAGTGGGCAGAGAATGTT[G>GTGCC]CACATTCCTCTTCTGCATTTCCTGGATTTGAAAACGGAGCAAATGACTGGCGCTTTGAAA-3'

ClinVar aggregate classification (germline): Pathogenic (3 of 4 stars; one submission).

Conditions:
Breast-ovarian cancer, familial, susceptibility to, 1 (BROVCA1). Also called: BRCA1 Hereditary Breast and Ovarian Cancer; OVARIAN CANCER, SUSCEPTIBILITY TO. Identifiers: Orphanet 145, MedGen C2676676, MONDO:0011450, OMIM 604370. Disease mechanism: loss of function.

Submission:

Evidence-based Network for the Interpretation of Germline Mutant Alleles (ENIGMA)
Classification: Pathogenic for Breast-ovarian cancer, familial, susceptibility to, 1. Last evaluated: 2017-12-15. Review status: reviewed by expert panel. Criteria: ENIGMA BRCA1/2 Classification Criteria (2017-06-29). Collection method: curation. Allele origin: germline. Study: ENIGMA.
Comment: Variant allele predicted to encode a truncated non-functional protein.